The following is an entry in ClinVar:

NM_000038.6(APC):c.3404A>C (p.Tyr1135Ser)

Gene: APC (APC regulator of Wnt signaling pathway; plus strand). Cytogenetic location: 5q22.2.
Variant type: single nucleotide variant.
Coding change: c.3404A>C on transcript NM_000038.6 (MANE Select); coding-DNA position 3404, A replaced by C.
Protein change: p.Tyr1135Ser; replaces tyrosine 1135 with serine.
Molecular consequence: missense variant. On other transcripts: non-coding transcript variant (2).
Genome position (GRCh38, 1-based): chr5:112,838,998, A>C. VCF-style: chr5-112838998-A-C. GRCh37 (hg19) VCF-style: chr5-112174695-A-C.
Other names: c.3404A>C, p.Tyr1135Ser (NM_001127510.3, NM_001354895.2, NM_001407450.1); c.3350A>C, p.Tyr1117Ser (NM_001127511.3); c.3458A>C, p.Tyr1153Ser (NM_001354896.2, NM_001407447.1, NM_001407448.1 and 1 more transcripts); c.3434A>C, p.Tyr1145Ser (NM_001354897.2); c.3329A>C, p.Tyr1110Ser (NM_001354898.2); c.3320A>C, p.Tyr1107Ser (NM_001354899.2); c.3281A>C, p.Tyr1094Ser (NM_001354900.2); c.3227A>C, p.Tyr1076Ser (NM_001354901.2, NM_001407453.1); and 11 more; short protein forms Y1034S, Y1052S, Y1076S, Y1094S, Y1117S, Y1125S, Y852S, Y975S.
Identifiers: ClinVar variation 5025682 (VCV005025682.1).

ClinVar aggregate classification (germline): Uncertain significance (1 of 4 stars; one submission).

Conditions:
Hereditary cancer-predisposing syndrome. Also called: Neoplastic Syndromes, Hereditary; Tumor predisposition; Hereditary neoplastic syndrome; Hereditary Cancer Syndrome. Identifiers: Orphanet 140162, MedGen C0027672, MeSH D009386, MONDO:0015356.

Submission:

Ambry Genetics
Classification: Uncertain significance for Hereditary cancer-predisposing syndrome. Last evaluated: 2026-08-06. Review status: criteria provided, single submitter. Criteria: Ambry Variant Classification Scheme 2023. Collection method: clinical testing. Allele origin: germline.
Comment: The p.Y1135S variant (also known as c.3404A>C), located in coding exon 15 of the APC gene, results from an A to C substitution at nucleotide position 3404. The tyrosine at codon 1135 is replaced by serine, an amino acid with dissimilar properties. This amino acid position is highly conserved in available vertebrate species. In addition, in silico predictors for this gene do not accurately predict pathogenicity. Missense variants in APC are not a common cause of disease (Spier I et al. Genet Med. 2024 Feb;26(2):100992). Based on the available evidence, the clinical significance of this variant remains unclear.